The following is an entry in ClinVar:

ClinVar aggregate classification (germline): Likely benign (1 of 4 stars; one submission).

Allele frequency attached by ClinVar (database versions not stated): gnomAD 0.00004; TOPMed 0.00008; gnomAD exomes 0.00010; ExAC 0.00013; ESP Exome Variant Server 0.00015.
gnomAD v4.1: 149 of 1,613,926 alleles (0.0092%); highest among the groups gnomAD compares: South Asian, 0.03%; no homozygotes.

Submission:

CeGaT Center for Human Genetics Tuebingen
Classification: Likely benign. Last evaluated: 2026-09-01. Review status: criteria provided, single submitter. Criteria: CeGaT Center For Human Genetics Tuebingen Variant Classification Criteria Version 2. Collection method: clinical testing. Allele origin: germline. Affected: yes. Observed: 2 variant alleles.
Comment: SVIL: BP4, BP7

NM_021738.3(SVIL):c.573C>T (p.Asp191=)

Gene: SVIL (supervillin; minus strand). Cytogenetic location: 10p11.23.
Variant type: single nucleotide variant.
Coding change: c.573C>T on transcript NM_021738.3 (MANE Select); coding-DNA position 573, C replaced by T.
Protein change: p.Asp191=; no amino-acid change (aspartic acid 191 retained).
Molecular consequence: synonymous variant.
Genome position (GRCh38, 1-based): chr10:29,550,851, G>A on the plus strand (C>T on the coding strand, the complement: SVIL is on the minus strand). VCF-style: chr10-29550851-G-A. GRCh37 (hg19) VCF-style: chr10-29839780-G-A.
Other names: c.573C>T, p.Asp191= (NM_001323599.2, NM_001323600.1, NM_003174.3).
Identifiers: ClinVar variation 2640391 (VCV002640391.24), dbSNP rs200054252, ClinGen allele CA5457747.